The following is an entry in ClinVar:

ClinVar aggregate classification (germline): Uncertain significance (1 of 4 stars; one submission).

gnomAD v4.1: 16 of 700,294 alleles (0.0023%); highest among the groups gnomAD compares: Non-Finnish European, 0.0036%; no homozygotes.

Submission:

Labcorp Genetics (formerly Invitae), Labcorp
Classification: Uncertain significance. Last evaluated: 2024-02-24. Review status: criteria provided, single submitter. Criteria: Invitae Variant Classification Sherloc (09022015). Collection method: clinical testing. Allele origin: germline.
Comment: This variant occurs in the RNU4ATAC gene, which encodes an RNA molecule that does not result in a protein product. This variant is present in population databases (rs186447983, gnomAD 0.002%). This variant has not been reported in the literature in individuals affected with RNU4ATAC-related conditions. ClinVar contains an entry for this variant (Variation ID: 1495436). Experimental studies and prediction algorithms are not available or were not evaluated, and the functional significance of this variant is currently unknown. In summary, the available evidence is currently insufficient to determine the role of this variant in disease. Therefore, it has been classified as a Variant of Uncertain Significance.

NC_000002.12:g.121530966C>A

Genes: CLASP1 (cytoplasmic linker associated protein 1; minus strand), CLASP1-AS1 (CLASP1 antisense RNA 1; plus strand), RNU4ATAC (RNA, U4atac small nuclear; plus strand). Cytogenetic location: 2q14.2.
Variant type: single nucleotide variant.
Molecular consequence: intron variant (on NM_001395891.1).
Genome position: GRCh38 VCF-style: chr2-121530966-C-A. GRCh37 (hg19) VCF-style: chr2-122288542-C-A.
Other names: c.196-641G>T (NM_001142274.2, NM_015282.3, NM_001378003.1 and 5 more transcripts).
Identifiers: ClinVar variation 1495436 (VCV001495436.6), dbSNP rs186447983, ClinGen allele CA54810950.